The following is an entry in ClinVar:

ClinVar aggregate classification (germline): Uncertain significance (1 of 4 stars; one submission).

Conditions:
Familial meningioma. Also called: Meningioma, familial, susceptibility to. Identifiers: Orphanet 263662, MedGen C3551915, MONDO:0011789, OMIM 607174.

Submission:

Labcorp Genetics (formerly Invitae), Labcorp
Classification: Uncertain significance for Familial meningioma. Last evaluated: 2021-09-16. Review status: criteria provided, single submitter. Criteria: Invitae Variant Classification Sherloc (09022015). Collection method: clinical testing. Allele origin: germline.
Comment: In summary, the available evidence is currently insufficient to determine the role of this variant in disease. Therefore, it has been classified as a Variant of Uncertain Significance. Algorithms developed to predict the effect of missense changes on protein structure and function are either unavailable or do not agree on the potential impact of this missense change (SIFT: "Tolerated"; PolyPhen-2: "Not Available"; Align-GVGD: "Class C0"). This variant has not been reported in the literature in individuals affected with SMARCE1-related conditions. This variant is not present in population databases (ExAC no frequency). This sequence change replaces proline with alanine at codon 400 of the SMARCE1 protein (p.Pro400Ala). The proline residue is moderately conserved and there is a small physicochemical difference between proline and alanine.

NM_003079.5(SMARCE1):c.1198C>G (p.Pro400Ala)

Gene: SMARCE1 (SWI/SNF related BAF chromatin remodeling complex subunit E1; minus strand). Cytogenetic location: 17q21.2.
Variant type: single nucleotide variant.
Coding change: c.1198C>G on transcript NM_003079.5 (MANE Select); coding-DNA position 1198, C replaced by G.
Protein change: p.Pro400Ala; replaces proline 400 with alanine.
Molecular consequence: missense variant.
Genome position (GRCh38, 1-based): chr17:40,628,823, G>C on the plus strand (C>G on the coding strand, the complement: SMARCE1 is on the minus strand). VCF-style: chr17-40628823-G-C. GRCh37 (hg19) VCF-style: chr17-38785075-G-C.
Other names: short protein forms P400A.
Identifiers: ClinVar variation 1493306 (VCV001493306.6), dbSNP rs2143980289, ClinGen allele CA399360872.